The following is an entry in ClinVar:

NM_021147.5(CCNO):c.16C>A (p.Pro6Thr)

Gene: CCNO (cyclin O; minus strand). Cytogenetic location: 5q11.2.
Variant type: single nucleotide variant.
Coding change: c.16C>A on transcript NM_021147.5 (MANE Select); coding-DNA position 16, C replaced by A.
Protein change: p.Pro6Thr; replaces proline 6 with threonine.
Molecular consequence: missense variant. On other transcripts: non-coding transcript variant (2).
Genome position (GRCh38, 1-based): chr5:55,233,508, G>T on the plus strand (C>A on the coding strand, the complement: CCNO is on the minus strand). VCF-style: chr5-55233508-G-T. GRCh37 (hg19) VCF-style: chr5-54529336-G-T.
Other names: short protein forms P6T.
Identifiers: ClinVar variation 857554 (VCV000857554.10), dbSNP rs1299342018, ClinGen allele CA359726388.

ClinVar aggregate classification (germline): Uncertain significance. Review status: criteria provided, multiple submitters, no conflicts (2 of 4 stars). 4 submissions from 4 submitters: Uncertain significance (4). Last evaluated 2026-04-11.

Conditions:
CCNO-related disorder. Also called: CCNO-related condition.
Primary ciliary dyskinesia. Also called: Ciliary dyskinesia. Identifiers: Orphanet 244, MedGen C0008780, MONDO:0016575, HP:0012265.

Allele frequency attached by ClinVar (database versions not stated): TOPMed 0.00010; gnomAD 0.00003 and 0.00004; gnomAD exomes 0.00001.
gnomAD v4.1: 13 of 1,584,572 alleles (0.00082%); highest among the groups gnomAD compares: Admixed American, 0.017%; no homozygotes.

Submissions (4):

GeneDx
Classification: Uncertain significance. Last evaluated: 2026-04-11. Review status: criteria provided, single submitter. Criteria: GeneDx Variant Classification Process June 2021. Collection method: clinical testing. Allele origin: germline.
Comment: In silico analysis suggests that this missense variant does not alter protein structure/function; Has not been previously published as pathogenic or benign to our knowledge

PreventionGenetics, part of Exact Sciences
Classification: Uncertain significance for CCNO-related condition. Last evaluated: 2023-04-05. Review status: criteria provided, single submitter. Criteria: ACMG Guidelines, 2015. Collection method: clinical testing. Allele origin: germline.
Comment: The CCNO c.16C>A variant is predicted to result in the amino acid substitution p.Pro6Thr. To our knowledge, this variant has not been reported in the literature. This variant is reported in 0.0063% of alleles in individuals of Latino descent in gnomAD. At this time, the clinical significance of this variant is uncertain due to the absence of conclusive functional and genetic evidence.

Labcorp Genetics (formerly Invitae), Labcorp
Classification: Uncertain significance for Primary ciliary dyskinesia. Last evaluated: 2021-08-28. Review status: criteria provided, single submitter. Criteria: Invitae Variant Classification Sherloc (09022015). Collection method: clinical testing. Allele origin: germline.
Comment: This sequence change replaces proline with threonine at codon 6 of the CCNO protein (p.Pro6Thr). The proline residue is weakly conserved and there is a small physicochemical difference between proline and threonine. This variant is not present in population databases (ExAC no frequency). This variant has not been reported in the literature in individuals affected with CCNO-related conditions. Algorithms developed to predict the effect of missense changes on protein structure and function output the following: SIFT: "Tolerated"; PolyPhen-2: "Benign"; Align-GVGD: "Class C0". The threonine amino acid residue is found in multiple mammalian species, which suggests that this missense change does not adversely affect protein function. In summary, the available evidence is currently insufficient to determine the role of this variant in disease. Therefore, it has been classified as a Variant of Uncertain Significance.

Breakthrough Genomics
Classification: Uncertain significance. Review status: criteria provided, single submitter. Criteria: ACMG Guidelines, 2015. Collection method: not provided. Allele origin: germline. Inheritance: Autosomal recessive inheritance. Affected: yes.